The following is an entry in ClinVar:

NM_004082.5(DCTN1):c.3106C>T (p.Arg1036Cys)

Gene: DCTN1 (dynactin subunit 1; minus strand). Cytogenetic location: 2p13.1.
Variant type: single nucleotide variant.
Coding change: c.3106C>T on transcript NM_004082.5 (MANE Select); coding-DNA position 3106, C replaced by T.
Protein change: p.Arg1036Cys; replaces arginine 1036 with cysteine.
Molecular consequence: missense variant. On other transcripts: non-coding transcript variant (1).
Genome position (GRCh38, 1-based): chr2:74,365,165, G>A on the plus strand (C>T on the coding strand, the complement: DCTN1 is on the minus strand). VCF-style: chr2-74365165-G-A. GRCh37 (hg19) VCF-style: chr2-74592292-G-A.
Other names: c.3046C>T, p.Arg1016Cys (NM_001135040.3); c.2704C>T, p.Arg902Cys (NM_001135041.3, NM_023019.4); c.2995C>T, p.Arg999Cys (NM_001190836.2); c.3085C>T, p.Arg1029Cys (NM_001190837.2); c.3055C>T, p.Arg1019Cys (NM_001378991.1); c.3037C>T, p.Arg1013Cys (NM_001378992.1); short protein forms R1013C, R1019C, R1029C, R999C, R1016C, R1036C, R902C.
Identifiers: ClinVar variation 2946723 (VCV002946723.4), dbSNP rs767903316, ClinGen allele CA1721629.
Genomic context (GRCh38, chr2:74,365,165, plus strand): 5'-TGCCTGAAGGAGGAGGGCCCCGGAGTCCCTCAATCGTGCGTTTGGACTGGCTGTTCAGAC[G>A]CTGCTTTAGTTCTGCCTTCTCTGCCTCCAGCTGGTCGATGTCAGCCTGGAGTGCATCCAT-3'
Protein context (NP_004073.2, residues 1026-1046): LEAEKAELKQ[Arg1036Cys]LNSQSKRTIE

ClinVar aggregate classification (germline): Uncertain significance. Review status: criteria provided, multiple submitters, no conflicts (2 of 4 stars). 2 submissions from 2 submitters: Uncertain significance (2). Last evaluated 2024-03-20.

Conditions:
Inborn genetic diseases. Identifiers: MedGen C0950123, MeSH D030342.
Amyotrophic lateral sclerosis type 1 (ALS1). Also called: AMYOTROPHIC LATERAL SCLEROSIS 1, FAMILIAL. Identifiers: Orphanet 803, MedGen C1862939, MONDO:0007103, OMIM 105400.
Neuronopathy, distal hereditary motor, type 7B. Also called: HMN VIIB; LOWER MOTOR NEURON DISEASE, DYNACTIN TYPE; NEURONOPATHY, DISTAL HEREDITARY MOTOR, AUTOSOMAL DOMINANT 14; NEURONOPATHY, DISTAL HEREDITARY MOTOR, HARDING TYPE VIIB; NEUROPATHY, DISTAL HEREDITARY MOTOR, HARDING TYPE VIIB; NEUROPATHY, DISTAL HEREDITARY MOTOR, WITH VOCAL CORD PARALYSIS, HARDING TYPE VIIB. Identifiers: Orphanet 139589, MedGen C1843315, MONDO:0011879, OMIM 607641.
Perry syndrome. Also called: PARKINSONISM WITH ALVEOLAR HYPOVENTILATION AND MENTAL DEPRESSION. Identifiers: Orphanet 178509, MedGen C1868594, MONDO:0008201, OMIM 168605.

Allele frequency attached by ClinVar (database versions not stated): TOPMed 0.00001; ExAC 0.00003.
gnomAD v4.1: 43 of 1,614,174 alleles (0.0027%); highest among the groups gnomAD compares: Admixed American, 0.01%; no homozygotes.

Submissions (2):

Ambry Genetics
Classification: Uncertain significance for Inborn genetic diseases. Last evaluated: 2024-03-20. Review status: criteria provided, single submitter. Criteria: Ambry Variant Classification Scheme 2023. Collection method: clinical testing. Allele origin: germline.

Labcorp Genetics (formerly Invitae), Labcorp
Classification: Uncertain significance for Amyotrophic lateral sclerosis type 1; Neuronopathy, distal hereditary motor, type 7B; Perry syndrome. Last evaluated: 2023-10-29. Review status: criteria provided, single submitter. Criteria: Invitae Variant Classification Sherloc (09022015). Collection method: clinical testing. Allele origin: germline.
Comment: This sequence change replaces arginine, which is basic and polar, with cysteine, which is neutral and slightly polar, at codon 1036 of the DCTN1 protein (p.Arg1036Cys). This variant is present in population databases (rs767903316, gnomAD 0.006%). This variant has not been reported in the literature in individuals affected with DCTN1-related conditions. Advanced modeling of protein sequence and biophysical properties (such as structural, functional, and spatial information, amino acid conservation, physicochemical variation, residue mobility, and thermodynamic stability) performed at Invitae indicates that this missense variant is expected to disrupt DCTN1 protein function with a positive predictive value of 80%. In summary, the available evidence is currently insufficient to determine the role of this variant in disease. Therefore, it has been classified as a Variant of Uncertain Significance.